The following is an entry in ClinVar:

ClinVar aggregate classification (germline): Uncertain significance (1 of 4 stars; one submission).

Conditions:
Charcot-Marie-Tooth disease axonal type 2Z. Also called: CHARCOT-MARIE-TOOTH DISEASE, AXONAL, AUTOSOMAL DOMINANT, TYPE 2Z; CHARCOT-MARIE-TOOTH NEUROPATHY, TYPE 2Z. Identifiers: Orphanet 466768, MedGen C5569025, MONDO:0014736, OMIM 616688.

Submission:

Labcorp Genetics (formerly Invitae), Labcorp
Classification: Uncertain significance for Charcot-Marie-Tooth disease axonal type 2Z. Last evaluated: 2023-10-17. Review status: criteria provided, single submitter. Criteria: Invitae Variant Classification Sherloc (09022015). Collection method: clinical testing. Allele origin: germline.
Comment: This sequence change replaces glutamic acid, which is acidic and polar, with lysine, which is basic and polar, at codon 708 of the MORC2 protein (p.Glu708Lys). This variant is not present in population databases (gnomAD no frequency). This variant has not been reported in the literature in individuals affected with MORC2-related conditions. Advanced modeling of protein sequence and biophysical properties (such as structural, functional, and spatial information, amino acid conservation, physicochemical variation, residue mobility, and thermodynamic stability) has been performed at Invitae for this missense variant, however the output from this modeling did not meet the statistical confidence thresholds required to predict the impact of this variant on MORC2 protein function. In summary, the available evidence is currently insufficient to determine the role of this variant in disease. Therefore, it has been classified as a Variant of Uncertain Significance.

NM_001303256.3(MORC2):c.2122G>A (p.Glu708Lys)

Gene: MORC2 (MORC family CW-type zinc finger 2; minus strand). Cytogenetic location: 22q12.2.
Variant type: single nucleotide variant.
Coding change: c.2122G>A on transcript NM_001303256.3 (MANE Select); coding-DNA position 2122, G replaced by A.
Protein change: p.Glu708Lys; replaces glutamic acid 708 with lysine.
Molecular consequence: missense variant.
Genome position (GRCh38, 1-based): chr22:30,934,852, C>T on the plus strand (G>A on the coding strand, the complement: MORC2 is on the minus strand). VCF-style: chr22-30934852-C-T. GRCh37 (hg19) VCF-style: chr22-31330839-C-T.
Other names: c.2122G>A, p.Glu708Lys (NM_001303257.2); c.1936G>A, p.Glu646Lys (NM_014941.3); short protein forms E708K, E646K.
Identifiers: ClinVar variation 2822633 (VCV002822633.3), dbSNP rs2517579180, ClinGen allele CA411234565.